The following is an entry in ClinVar:

NM_001363711.2(DUOX2):c.3163G>A (p.Val1055Met)

Gene: DUOX2 (dual oxidase 2; minus strand). Cytogenetic location: 15q21.1.
Variant type: single nucleotide variant.
Coding change: c.3163G>A on transcript NM_001363711.2 (MANE Select); coding-DNA position 3163, G replaced by A.
Protein change: p.Val1055Met; replaces valine 1055 with methionine.
Molecular consequence: missense variant.
Genome position (GRCh38, 1-based): chr15:45,100,071, C>T on the plus strand (G>A on the coding strand, the complement: DUOX2 is on the minus strand). VCF-style: chr15-45100071-C-T. GRCh37 (hg19) VCF-style: chr15-45392269-C-T.
Other names: c.3163G>A, p.Val1055Met (NM_014080.5); short protein forms V1055M.
Identifiers: ClinVar variation 2419301 (VCV002419301.6), dbSNP rs367803824, ClinGen allele CA7537992.

ClinVar aggregate classification (germline): Uncertain significance. Review status: criteria provided, multiple submitters, no conflicts (2 of 4 stars). 2 submissions from 2 submitters: Uncertain significance (2). Last evaluated 2026-05-21.

Allele frequency attached by ClinVar (database versions not stated): gnomAD exomes 0.00005.
gnomAD v4.1: 76 of 1,614,128 alleles (0.0047%); highest among the groups gnomAD compares: South Asian, 0.063%; 1 homozygote.

Submissions (2):

Women's Health and Genetics/Laboratory Corporation of America, LabCorp
Classification: Uncertain significance. Last evaluated: 2026-05-21. Review status: criteria provided, single submitter. Criteria: LabCorp Variant Classification Summary - May 2015. Collection method: clinical testing. Allele origin: germline.
Comment: Variant summary: DUOX2 c.3163G>A (p.Val1055Met) results in a conservative amino acid change in the encoded protein sequence. Algorithms developed to predict the effect of missense changes on protein structure and function all suggest that this variant is likely to be tolerated. The variant allele was found at a frequency of 9.9e-05 in 251424 control chromosomes in the gnomAD database, including 1 homozygotes. This frequency is not significantly higher than estimated for disease-causing variants in DUOX2, allowing no conclusion about variant significance. c.3163G>A has not been observed in individual(s) affected with DUOX2-related conditions. To our knowledge, no experimental evidence demonstrating an impact on protein function has been reported. ClinVar contains an entry for this variant (Variation ID: 2419301). The following publication has been ascertained in the context of this evaluation (PMID: 33651715). Based on the evidence outlined above, the variant was classified as uncertain significance.

Labcorp Genetics (formerly Invitae), Labcorp
Classification: Uncertain significance. Last evaluated: 2025-11-30. Review status: criteria provided, single submitter. Criteria: Invitae Variant Classification Sherloc (09022015). Collection method: clinical testing. Allele origin: germline.
Comment: This sequence change replaces valine, which is neutral and non-polar, with methionine, which is neutral and non-polar, at codon 1055 of the DUOX2 protein (p.Val1055Met). This variant is present in population databases (rs367803824, gnomAD 0.06%). This variant has not been reported in the literature in individuals affected with DUOX2-related conditions. ClinVar contains an entry for this variant (Variation ID: 2419301). Invitae Evidence Modeling of protein sequence and biophysical properties (such as structural, functional, and spatial information, amino acid conservation, physicochemical variation, residue mobility, and thermodynamic stability) indicates that this missense variant is not expected to disrupt DUOX2 protein function with a negative predictive value of 80%. In summary, the available evidence is currently insufficient to determine the role of this variant in disease. Therefore, it has been classified as a Variant of Uncertain Significance.

Literature cited by the submitters: PubMed 33651715 (cited by Women's Health and Genetics/Laboratory Corporation of America, LabCorp).